The following is an entry in ClinVar:

NM_001009944.3(PKD1):c.2779A>G (p.Thr927Ala)

Gene: PKD1 (polycystin 1, transient receptor potential channel interacting; minus strand). Cytogenetic location: 16p13.3.
Variant type: single nucleotide variant.
Coding change: c.2779A>G on transcript NM_001009944.3 (MANE Select); coding-DNA position 2779, A replaced by G.
Protein change: p.Thr927Ala; replaces threonine 927 with alanine.
Molecular consequence: missense variant.
Genome position (GRCh38, 1-based): chr16:2,114,244, T>C on the plus strand (A>G on the coding strand, the complement: PKD1 is on the minus strand). VCF-style: chr16-2114244-T-C. GRCh37 (hg19) VCF-style: chr16-2164245-T-C.
Other names: c.2779A>G, p.Thr927Ala (NM_000296.4); short protein forms T927A.
Identifiers: ClinVar variation 3351477 (VCV003351477.1).

ClinVar aggregate classification (germline): Uncertain significance (0 of 4 stars; one submission).

Conditions:
PKD1-related disorder. Also called: PKD1-related condition.

gnomAD v4.1: 30 of 1,610,076 alleles (0.0019%); highest among the groups gnomAD compares: Middle Eastern, 0.11%; 1 homozygote.

Submission:

PreventionGenetics, part of Exact Sciences
Classification: Uncertain significance for PKD1-related condition. Last evaluated: 2024-08-26. Review status: no assertion criteria provided. Collection method: clinical testing. Allele origin: germline.
Comment: The PKD1 c.2779A>G variant is predicted to result in the amino acid substitution p.Thr927Ala. To our knowledge, this variant has not been reported in the literature. This variant is reported in 0.0046% of alleles in individuals of European (Non-Finnish) descent in gnomAD. At this time, the clinical significance of this variant is uncertain due to the absence of conclusive functional and genetic evidence.